The following is an entry in ClinVar:

NM_007294.4(BRCA1):c.5059G>T (p.Val1687Phe)

Gene: BRCA1 (BRCA1 DNA repair associated; minus strand). Cytogenetic location: 17q21.31.
Variant type: single nucleotide variant.
Coding change: c.5059G>T on transcript NM_007294.4 (MANE Select); coding-DNA position 5059, G replaced by T.
Protein change: p.Val1687Phe; replaces valine 1687 with phenylalanine.
Molecular consequence: missense variant. On other transcripts: non-coding transcript variant (1).
Genome position (GRCh38, 1-based): chr17:43,067,623, C>A on the plus strand (G>T on the coding strand, the complement: BRCA1 is on the minus strand). VCF-style: chr17-43067623-C-A. GRCh37 (hg19) VCF-style: chr17-41219640-C-A.
Other names: c.4978G>T, p.Val1660Phe (NM_001407657.1, NM_001407658.1, NM_001407656.1); c.4975G>T, p.Val1659Phe (NM_001407659.1, NM_001407660.1, NM_001407661.1 and 2 more transcripts); c.4933G>T, p.Val1645Phe (NM_001407671.1, NM_001407672.1, NM_001407673.1 and 11 more transcripts); c.4927G>T, p.Val1643Phe (NM_001407690.1, NM_001407691.1); c.4918G>T, p.Val1640Phe (NM_001407692.1, NM_001407694.1, NM_001407695.1 and 13 more transcripts); c.4915G>T, p.Val1639Phe (NM_001407735.1, NM_001407736.1, NM_001407737.1 and 21 more transcripts); c.4912G>T, p.Val1638Phe (NM_001407839.1, NM_001407841.1, NM_001407842.1 and 12 more transcripts); c.4858G>T, p.Val1620Phe (NM_001407862.1); and 70 more; short protein forms V1640F, V583F, V1687F, V1708F, V1390F, V1599F, V1639F, V1644F.
Identifiers: ClinVar variation 868575 (VCV000868575.3), dbSNP rs2052161154, ClinGen allele CA10591401.

Conditions:
Breast-ovarian cancer, familial, susceptibility to, 1 (BROVCA1). Also called: BRCA1 Hereditary Breast and Ovarian Cancer; OVARIAN CANCER, SUSCEPTIBILITY TO. Identifiers: Orphanet 145, MedGen C2676676, MONDO:0011450, OMIM 604370. Disease mechanism: loss of function.

Submission:

Brotman Baty Institute, University of Washington
No classification provided (evidence only). Condition: Breast-ovarian cancer, familial 1. Review status: no classification provided. Collection method: in vitro. Allele origin: not applicable. Functional consequence: functionally_abnormal.
ClinVar note: "not provided" was previously submitted as the classification for the variant. However, the classification appeared to be based only on an observation of functional data so it was converted to no classification on 2025-07-30.